The following is an entry in ClinVar:

NM_002734.5(PRKAR1A):c.940G>T (p.Glu314Ter)

Gene: PRKAR1A (protein kinase cAMP-dependent type I regulatory subunit alpha; plus strand). Cytogenetic location: 17q24.2.
Variant type: single nucleotide variant.
Coding change: c.940G>T on transcript NM_002734.5 (MANE Select); coding-DNA position 940, G replaced by T.
Protein change: p.Glu314Ter; replaces glutamic acid 314 with a stop codon.
Molecular consequence: nonsense.
Genome position (GRCh38, 1-based): chr17:68,529,968, G>T. VCF-style: chr17-68529968-G-T. GRCh37 (hg19) VCF-style: chr17-66526109-G-T.
Other names: c.940G>T, p.Glu314Ter (NM_001276289.2, NM_001276290.1, NM_001278433.2 and 4 more transcripts); short protein forms E314*.
Identifiers: ClinVar variation 2847153 (VCV002847153.3), dbSNP rs2509443692, ClinGen allele CA400754211.

ClinVar aggregate classification (germline): Pathogenic (1 of 4 stars; one submission).

Conditions:
Carney complex, type 1 (CNC1). Also called: CARNEY MYXOMA-ENDOCRINE COMPLEX; CARNEY COMPLEX, TYPE I. Identifiers: Orphanet 1359, MedGen C2607929, MONDO:0008057, OMIM 160980.

Submission:

Labcorp Genetics (formerly Invitae), Labcorp
Classification: Pathogenic for Carney complex, type 1. Last evaluated: 2023-03-18. Review status: criteria provided, single submitter. Criteria: Invitae Variant Classification Sherloc (09022015). Collection method: clinical testing. Allele origin: germline.
Comment: For these reasons, this variant has been classified as Pathogenic. This sequence change creates a premature translational stop signal (p.Glu314*) in the PRKAR1A gene. While this is not anticipated to result in nonsense mediated decay, it is expected to disrupt the last 68 amino acid(s) of the PRKAR1A protein. This variant is not present in population databases (gnomAD no frequency). This variant has not been reported in the literature in individuals affected with PRKAR1A-related conditions. This variant disrupts a region of the PRKAR1A protein in which other variant(s) (p.Arg368*) have been determined to be pathogenic (PMID: 21651393, 22464250, 28804209). This suggests that this is a clinically significant region of the protein, and that variants that disrupt it are likely to be disease-causing.

Literature cited by the submitters: PubMed 21651393; PubMed 22464250; PubMed 28804209.